The following is an entry in ClinVar:

NM_005477.3(HCN4):c.3031T>C (p.Ser1011Pro)

Gene: HCN4 (hyperpolarization activated cyclic nucleotide gated potassium channel 4; minus strand). Cytogenetic location: 15q24.1.
Variant type: single nucleotide variant.
Coding change: c.3031T>C on transcript NM_005477.3 (MANE Select); coding-DNA position 3031, T replaced by C.
Protein change: p.Ser1011Pro; replaces serine 1011 with proline.
Molecular consequence: missense variant.
Genome position (GRCh38, 1-based): chr15:73,323,062, A>G on the plus strand (T>C on the coding strand, the complement: HCN4 is on the minus strand). VCF-style: chr15-73323062-A-G. GRCh37 (hg19) VCF-style: chr15-73615403-A-G.
Other names: short protein forms S1011P.
Identifiers: ClinVar variation 392319 (VCV000392319.13), dbSNP rs890395300, ClinGen allele CA16607866.
Genomic context (GRCh38, chr15:73,323,062, plus strand): 5'-TGTGGCCAGGGGGGCTGAGACCTCCTCGGGGAGTAAAGCCTACAGGGGAAGCCCCCCCAG[A>G]GGCCCCTGCCACAAGGGACGGCGGCTCAGGCTGCCGTGGGGGTGTCTCTGGCGTGCTCAG-3'
Protein context (NP_005468.1, residues 1001-1021): PEPPSLVAGA[Ser1011Pro]GGASPVGFTP

ClinVar aggregate classification (germline): Uncertain significance. Review status: criteria provided, multiple submitters, no conflicts (2 of 4 stars). 4 submissions from 4 submitters: Uncertain significance (4). Last evaluated 2026-01-12.

Conditions:
Brugada syndrome 8 (BRGDA8). Identifiers: Orphanet 130, MedGen C2751083, MONDO:0013148, OMIM 613123.
Epilepsy, idiopathic generalized, susceptibility to, 18. Identifiers: MedGen C5561983, MONDO:0030434, OMIM 619521.
Sick sinus syndrome 2, autosomal dominant (SSS2). Also called: ATRIAL FIBRILLATION WITH BRADYARRHYTHMIA; SINUS BRADYCARDIA SYNDROME, FAMILIAL, AUTOSOMAL DOMINANT; SINUS NODE DISEASE, FAMILIAL, AUTOSOMAL DOMINANT; SICK SINUS SYNDROME 2; SICK SINUS SYNDROME 2 WITH OR WITHOUT CARDIAC NONCOMPACTION AND/OR ASCENDING AORTA DILATION. Identifiers: Orphanet 166282, MedGen C1834144, MONDO:0008102, OMIM 163800.
Cardiovascular phenotype. Identifiers: MedGen CN230736.

Allele frequency attached by ClinVar (database versions not stated): gnomAD 0.00001; TOPMed 0.00002.
gnomAD v4.1: 20 of 1,538,884 alleles (0.0013%); highest among the groups gnomAD compares: Non-Finnish European, 0.0017%; no homozygotes.

Submissions (4):

Labcorp Genetics (formerly Invitae), Labcorp
Classification: Uncertain significance for Brugada syndrome 8. Last evaluated: 2026-01-12. Review status: criteria provided, single submitter. Criteria: Invitae Variant Classification Sherloc (09022015). Collection method: clinical testing. Allele origin: germline.
Comment: This sequence change replaces serine, which is neutral and polar, with proline, which is neutral and non-polar, at codon 1011 of the HCN4 protein (p.Ser1011Pro). This variant is not present in population databases (gnomAD no frequency). This variant has not been reported in the literature in individuals affected with HCN4-related conditions. ClinVar contains an entry for this variant (Variation ID: 392319). Invitae Evidence Modeling of protein sequence and biophysical properties (such as structural, functional, and spatial information, amino acid conservation, physicochemical variation, residue mobility, and thermodynamic stability) indicates that this missense variant is not expected to disrupt HCN4 protein function with a negative predictive value of 95%. In summary, the available evidence is currently insufficient to determine the role of this variant in disease. Therefore, it has been classified as a Variant of Uncertain Significance.

Ambry Genetics
Classification: Uncertain significance for Cardiovascular phenotype. Last evaluated: 2024-07-14. Review status: criteria provided, single submitter. Criteria: Ambry Variant Classification Scheme 2023. Collection method: clinical testing. Allele origin: germline.

Fulgent Genetics
Classification: Uncertain significance for Sick sinus syndrome 2, autosomal dominant; Brugada syndrome 8; Epilepsy, idiopathic generalized, susceptibility to, 18. Last evaluated: 2021-08-18. Review status: criteria provided, single submitter. Criteria: ACMG Guidelines, 2015. Collection method: clinical testing. Allele origin: unknown.

GeneDx
Classification: Uncertain significance. Last evaluated: 2017-01-03. Review status: criteria provided, single submitter. Criteria: GeneDx Variant Classification (06012015). Collection method: clinical testing. Allele origin: germline. Affected: yes.
Comment: A variant of uncertain significance has been identified in the HCN4 gene. The S1011P variant has not been published as a pathogenic variant, nor has it been reported as a benign variant to our knowledge. The S1011P variant was not observed in approximately 5,000 individuals of European and African American ancestry in the NHLBI Exome Sequencing Project (average read depth 6X). The S1011P variant is a non-conservative amino acid substitution, which is likely to impact secondary protein structure as these residues differ in polarity, charge, size and/or other properties.This substitution occurs at a position that is conserved in mammals, however, Proline is the wild-type residue at this position in multiple non-mammalian species. In silico analysis is inconsistent in its predictions as to whether or not the variant is damaging to the protein structure/function.